The following is an entry in ClinVar:

NM_000069.3(CACNA1S):c.1944C>A (p.Gly648=)

Gene: CACNA1S (calcium voltage-gated channel subunit alpha1 S; minus strand). Cytogenetic location: 1q32.1.
Variant type: single nucleotide variant.
Coding change: c.1944C>A on transcript NM_000069.3 (MANE Select); coding-DNA position 1944, C replaced by A.
Protein change: p.Gly648=; no amino-acid change (glycine 648 retained).
Molecular consequence: synonymous variant.
Genome position (GRCh38, 1-based): chr1:201,075,499, G>T on the plus strand (C>A on the coding strand, the complement: CACNA1S is on the minus strand). VCF-style: chr1-201075499-G-T. GRCh37 (hg19) VCF-style: chr1-201044627-G-T.
Identifiers: ClinVar variation 3025258 (VCV003025258.22), dbSNP rs145733062, ClinGen allele CA422688998.

ClinVar aggregate classification (germline): Likely benign (1 of 4 stars; one submission).

Submission:

CeGaT Center for Human Genetics Tuebingen
Classification: Likely benign. Last evaluated: 2024-07-01. Review status: criteria provided, single submitter. Criteria: CeGaT Center For Human Genetics Tuebingen Variant Classification Criteria Version 2. Collection method: clinical testing. Allele origin: germline. Affected: yes. Observed: 3 variant alleles.
Comment: CACNA1S: PM2:Supporting, BP4, BP7